The following is an entry in ClinVar:

ClinVar aggregate classification (germline): Likely benign. Review status: criteria provided, single submitter (1 of 4 stars). 2 submissions from 2 submitters: Likely benign (1). 1 of the submissions does not count toward it. Last evaluated 2025-12-21.

Conditions:
CLTC-related disorder. Also called: CLTC-related condition.

Allele frequency attached by ClinVar (database versions not stated): ExAC 0.00002; gnomAD exomes 0.00002 and 0.00003; gnomAD 0.00007 and 0.00009.
gnomAD v4.1: 51 of 1,613,356 alleles (0.0032%); highest among the groups gnomAD compares: African/African-American, 0.045%; no homozygotes.

Submissions (2):

Labcorp Genetics (formerly Invitae), Labcorp
Classification: Likely benign. Last evaluated: 2025-12-21. Review status: criteria provided, single submitter. Criteria: Invitae Variant Classification Sherloc (09022015). Collection method: clinical testing. Allele origin: germline.

PreventionGenetics, part of Exact Sciences
Classification: Likely benign for CLTC-related condition. Last evaluated: 2021-07-30. Review status: no assertion criteria provided. Collection method: clinical testing. Allele origin: germline. Not counted in ClinVar's aggregate classification.
Comment: This variant is classified as likely benign based on ACMG/AMP sequence variant interpretation guidelines (Richards et al. 2015 PMID: 25741868, with internal and published modifications).

NM_004859.4(CLTC):c.4980C>T (p.Thr1660=)

Gene: CLTC (clathrin heavy chain; plus strand). Cytogenetic location: 17q23.1.
Variant type: single nucleotide variant.
Coding change: c.4980C>T on transcript NM_004859.4 (MANE Select); coding-DNA position 4980, C replaced by T.
Protein change: p.Thr1660=; no amino-acid change (threonine 1660 retained).
Molecular consequence: synonymous variant.
Genome position (GRCh38, 1-based): chr17:59,693,804, C>T. VCF-style: chr17-59693804-C-T. GRCh37 (hg19) VCF-style: chr17-57771165-C-T.
Other names: c.4992C>T, p.Thr1664= (NM_001288653.2); c.4992C>T (NM_001288653.1).
Identifiers: ClinVar variation 1559153 (VCV001559153.10), dbSNP rs199812583, ClinGen allele CA8681849.